The following is an entry in ClinVar:

ClinVar aggregate classification (germline): Uncertain significance (1 of 4 stars; one submission).

Conditions:
Inborn genetic diseases. Identifiers: MedGen C0950123, MeSH D030342.

Submission:

Ambry Genetics
Classification: Uncertain significance for Inborn genetic diseases. Last evaluated: 2025-12-12. Review status: criteria provided, single submitter. Criteria: Ambry Variant Classification Scheme 2023. Collection method: clinical testing. Allele origin: germline.
Comment: The p.L200I variant (also known as c.598C>A), located in coding exon 5 of the BMPR2 gene, results from a C to A substitution at nucleotide position 598. The leucine at codon 200 is replaced by isoleucine, an amino acid with highly similar properties. This amino acid position is conserved. In addition, the in silico prediction for this alteration is inconclusive. Based on the available evidence, the clinical significance of this variant remains unclear.

NM_001204.7(BMPR2):c.598C>A (p.Leu200Ile)

Gene: BMPR2 (bone morphogenetic protein receptor type 2; plus strand). Cytogenetic location: 2q33.2.
Variant type: single nucleotide variant.
Coding change: c.598C>A on transcript NM_001204.7 (MANE Select); coding-DNA position 598, C replaced by A.
Protein change: p.Leu200Ile; replaces leucine 200 with isoleucine.
Molecular consequence: missense variant.
Genome position (GRCh38, 1-based): chr2:202,514,956, C>A. VCF-style: chr2-202514956-C-A. GRCh37 (hg19) VCF-style: chr2-203379679-C-A.
Other names: short protein forms L200I.
Identifiers: ClinVar variation 4598121 (VCV004598121.1).
Genomic context (GRCh38, chr2:202,514,956, plus strand): 5'-AAACAAGGTCTTCACAGTATGAACATGATGGAGGCAGCAGCATCCGAACCCTCTCTTGAT[C>A]TAGATAATCTGAAACTGTTGGAGGTAAGTTTGCCGTTAGATTATGGACTGTTGTTTCTAC-3'
Protein context (NP_001195.2, residues 190-210): EAAASEPSLD[Leu200Ile]DNLKLLELIG